The following is an entry in ClinVar:

ClinVar aggregate classification (germline): Uncertain significance (1 of 4 stars; one submission).

Submission:

Ambry Genetics
Classification: Uncertain significance. Last evaluated: 2026-04-04. Review status: criteria provided, single submitter. Criteria: Ambry Variant Classification Scheme 2023. Collection method: clinical testing. Allele origin: germline.
Comment: The p.S701N variant (also known as c.2102G>A), located in coding exon 1 of the MLH3 gene, results from a G to A substitution at nucleotide position 2102. The serine at codon 701 is replaced by asparagine, an amino acid with highly similar properties. This amino acid position is conserved. In addition, this alteration is predicted to be tolerated by in silico analysis. Based on the available evidence, the clinical significance of this variant remains unclear.

NM_001040108.2(MLH3):c.2102G>A (p.Ser701Asn)

Gene: MLH3 (mutL homolog 3; minus strand). Cytogenetic location: 14q24.3.
Variant type: single nucleotide variant.
Coding change: c.2102G>A on transcript NM_001040108.2 (MANE Select); coding-DNA position 2102, G replaced by A.
Protein change: p.Ser701Asn; replaces serine 701 with asparagine.
Molecular consequence: missense variant.
Genome position (GRCh38, 1-based): chr14:75,047,554, C>T on the plus strand (G>A on the coding strand, the complement: MLH3 is on the minus strand). VCF-style: chr14-75047554-C-T. GRCh37 (hg19) VCF-style: chr14-75514257-C-T.
Other names: c.2102G>A, p.Ser701Asn (NM_014381.3); short protein forms S701N.
Identifiers: ClinVar variation 4860145 (VCV004860145.1).
Genomic context (GRCh38, chr14:75,047,554, plus strand): 5'-CTATACCAGGGGAAAGAGGGGGATGTATCAGATAATATGCAATCTGTTTGTGATTTTTTG[C>T]TACCTTCCTGAAAAGCAGAAAACATTGTATAAGTTGCTGTAGGTTCATTCTCTAGCCCAT-3'
Protein context (NP_001035197.1, residues 691-711): YTMFSAFQEG[Ser701Asn]KKSQTDCILS